The following is an entry in ClinVar:

ClinVar aggregate classification (germline): Uncertain significance. Review status: criteria provided, multiple submitters, no conflicts (2 of 4 stars). 6 submissions from 6 submitters: Uncertain significance (4). 2 of the submissions do not count toward it. Last evaluated 2025-09-02.

Conditions:
Autosomal recessive nonsyndromic hearing loss 1A (DFNB1A). Also called: Nonsyndromic Hearing Loss and Deafness, DFNB1; GJB6-Related DFNB 1 Nonsyndromic Hearing Loss and Deafness; Deafness, autosomal recessive 1A; GJB2-Related Autosomal Recessive Nonsyndromic Hearing Loss; Connexin 26 deafness; Deafness nonsyndromic, Connexin 26 linked. Identifiers: Orphanet 90636, MedGen C2673759, MONDO:0009076, OMIM 220290.

Allele frequency attached by ClinVar (database versions not stated): gnomAD 0.00001 and 0.00002; ExAC 0.00003; gnomAD exomes 0.00003 and 0.00007; TOPMed 0.00003; 1000 Genomes Project 30x 0.00016; 1000 Genomes Project 0.00020.
gnomAD v4.1: 109 of 1,613,520 alleles (0.0068%); highest among the groups gnomAD compares: Non-Finnish European, 0.008%; no homozygotes.

Submissions (6):

Labcorp Genetics (formerly Invitae), Labcorp
Classification: Uncertain significance. Last evaluated: 2025-09-02. Review status: criteria provided, single submitter. Criteria: Invitae Variant Classification Sherloc (09022015). Collection method: clinical testing. Allele origin: germline.
Comment: This sequence change replaces glutamic acid, which is acidic and polar, with lysine, which is basic and polar, at codon 120 of the GJB2 protein (p.Glu120Lys). This variant is present in population databases (rs528216023, gnomAD 0.007%). This missense change has been observed in individual(s) with deafness (PMID: 17666888; internal data). In at least one individual the data is consistent with being in trans (on the opposite chromosome) from a pathogenic variant. ClinVar contains an entry for this variant (Variation ID: 447444). Invitae Evidence Modeling of protein sequence and biophysical properties (such as structural, functional, and spatial information, amino acid conservation, physicochemical variation, residue mobility, and thermodynamic stability) has been performed for this missense variant. However, the output from this modeling did not meet the statistical confidence thresholds required to predict the impact of this variant on GJB2 protein function. In summary, the available evidence is currently insufficient to determine the role of this variant in disease. Therefore, it has been classified as a Variant of Uncertain Significance.

GeneDx
Classification: Uncertain significance. Last evaluated: 2025-06-09. Review status: criteria provided, single submitter. Criteria: GeneDx Variant Classification Process June 2021. Collection method: clinical testing. Allele origin: germline. Affected: yes.
Comment: In silico analysis suggests that this missense variant does not alter protein structure/function; This variant is associated with the following publications: (PMID: 25388846, 20233142, 17666888, 36048236)

Athena Diagnostics
Classification: Uncertain significance. Last evaluated: 2017-05-10. Review status: criteria provided, single submitter. Criteria: Athena Diagnostics Criteria. Collection method: clinical testing. Allele origin: germline.

Women's Health and Genetics/Laboratory Corporation of America, LabCorp
Classification: Uncertain significance. Last evaluated: 2016-05-23. Review status: criteria provided, single submitter. Criteria: LabCorp Variant Classification Summary - May 2015. Collection method: clinical testing. Allele origin: germline.
Comment: Variant summary: The GJB2 c.358G>A (p.Glu120Lys) variant involves the alteration of a non-conserved nucleotide. 3/4 in silico tools predict a benign outcome (SNPs&GO not captured due to low reliability index); however, functional studies had not been published at the time of classification to confirm these in silico predictions. This variant was found in 4/121052 control chromosomes at a frequency of 0.000033, which does not exceed the estimated maximal expected allele frequency of a pathogenic GJB2 variant (0.025). The variant was observed in 2 patients from the literature without significant evidence of causality (i.e. co-segregation data). The variant had not been classified by other clinical labs, but was reported as a pathogenic variant by one database without evidence to independently evaluate. Because of the absence of clinical information and the lack of functional studies, the variant was classified as a variant of uncertain significance (VUS) until additional information becomes available.

Natera, Inc.
Classification: Uncertain significance for Autosomal recessive deafness type 1A. Last evaluated: 2020-09-16. Review status: no assertion criteria provided. Collection method: clinical testing. Allele origin: germline. Not counted in ClinVar's aggregate classification.

Counsyl
Classification: Uncertain significance for Autosomal recessive nonsyndromic hearing loss 1A. Last evaluated: 2017-04-05. Review status: no assertion criteria provided. Collection method: clinical testing. Allele origin: unknown. Not counted in ClinVar's aggregate classification.

Literature cited by the submitters: PubMed 17666888 (cited by 4 submitters); PubMed 20233142 (cited by 3 submitters); PubMed 25388846 (cited by Athena Diagnostics and Women's Health and Genetics/Laboratory Corporation of America, LabCorp).

NM_004004.6(GJB2):c.358G>A (p.Glu120Lys)

Gene: GJB2 (gap junction protein beta 2; minus strand). Cytogenetic location: 13q12.11.
Variant type: single nucleotide variant.
Coding change: c.358G>A on transcript NM_004004.6 (MANE Select); coding-DNA position 358, G replaced by A.
Protein change: p.Glu120Lys; replaces glutamic acid 120 with lysine.
Molecular consequence: missense variant.
Genome position (GRCh38, 1-based): chr13:20,189,224, C>T on the plus strand (G>A on the coding strand, the complement: GJB2 is on the minus strand). VCF-style: chr13-20189224-C-T. GRCh37 (hg19) VCF-style: chr13-20763363-C-T.
Other names: short protein forms E120K.
Identifiers: ClinVar variation 447444 (VCV000447444.8), dbSNP rs528216023, ClinGen allele CA6904276.